The following is an entry in ClinVar:

ClinVar aggregate classification (germline): Uncertain significance. Review status: criteria provided, multiple submitters, no conflicts (2 of 4 stars). 2 submissions from 2 submitters: Uncertain significance (2). Last evaluated 2024-03-24.

Conditions:
RASopathy. Also called: rasopathies; Noonan spectrum disorder. Identifiers: Orphanet 536391, MedGen C5555857, MONDO:0021060.
Cardiofaciocutaneous syndrome 4 (CFC4). Also called: MAP2K2-Related Cardiofaciocutaneous Syndrome. Identifiers: Orphanet 1340, MedGen C3809007, MONDO:0014114, OMIM 615280.

Allele frequency attached by ClinVar (database versions not stated): gnomAD exomes below 0.00001; TOPMed below 0.00001.
gnomAD v4.1: 1 of 1,613,758 alleles (0.000062%); highest among the groups gnomAD compares: Non-Finnish European, 0.000085%; no homozygotes.

Submissions (2):

Fulgent Genetics
Classification: Uncertain significance for Cardiofaciocutaneous syndrome 4. Last evaluated: 2024-03-24. Review status: criteria provided, single submitter. Criteria: ACMG Guidelines, 2015. Collection method: clinical testing. Allele origin: germline.

Labcorp Genetics (formerly Invitae), Labcorp
Classification: Uncertain significance for Rasopathy. Last evaluated: 2019-02-26. Review status: criteria provided, single submitter. Criteria: Invitae Variant Classification Sherloc (09022015). Collection method: clinical testing. Allele origin: germline.
Comment: This sequence change replaces isoleucine with valine at codon 145 of the MAP2K2 protein (p.Ile145Val). The isoleucine residue is highly conserved and there is a small physicochemical difference between isoleucine and valine. This variant is not present in population databases (ExAC no frequency). This variant has not been reported in the literature in individuals with MAP2K2-related conditions. Algorithms developed to predict the effect of missense changes on protein structure and function are either unavailable or do not agree on the potential impact of this missense change (SIFT: "Tolerated"; PolyPhen-2: "Possibly Damaging"; Align-GVGD: "Class C0"). In summary, the available evidence is currently insufficient to determine the role of this variant in disease. Therefore, it has been classified as a Variant of Uncertain Significance.

NM_030662.4(MAP2K2):c.433A>G (p.Ile145Val)

Gene: MAP2K2 (mitogen-activated protein kinase kinase 2; minus strand). Cytogenetic location: 19p13.3.
Variant type: single nucleotide variant.
Coding change: c.433A>G on transcript NM_030662.4 (MANE Select); coding-DNA position 433, A replaced by G.
Protein change: p.Ile145Val; replaces isoleucine 145 with valine.
Molecular consequence: missense variant.
Genome position (GRCh38, 1-based): chr19:4,110,526, T>C on the plus strand (A>G on the coding strand, the complement: MAP2K2 is on the minus strand). VCF-style: chr19-4110526-T-C. GRCh37 (hg19) VCF-style: chr19-4110524-T-C.
Other names: short protein forms I145V.
Identifiers: ClinVar variation 850397 (VCV000850397.2), dbSNP rs2041140457, ClinGen allele CA403391252.